The following is an entry in ClinVar:

ClinVar aggregate classification (germline): Uncertain significance (1 of 4 stars; one submission).

Submission:

GeneDx
Classification: Uncertain significance. Last evaluated: 2023-05-18. Review status: criteria provided, single submitter. Criteria: GeneDx Variant Classification Process June 2021. Collection method: clinical testing. Allele origin: germline. Affected: yes.
Comment: Not observed at significant frequency in large population cohorts (gnomAD); In silico analysis supports that this missense variant has a deleterious effect on protein structure/function; Has not been previously published as pathogenic or benign to our knowledge

NM_145331.3(MAP3K7):c.1673A>T (p.Glu558Val)

Gene: MAP3K7 (mitogen-activated protein kinase kinase kinase 7; minus strand). Cytogenetic location: 6q15.
Variant type: single nucleotide variant.
Coding change: c.1673A>T on transcript NM_145331.3 (MANE Select); coding-DNA position 1673, A replaced by T.
Protein change: p.Glu558Val; replaces glutamic acid 558 with valine.
Molecular consequence: missense variant. On other transcripts: stop lost (2).
Genome position (GRCh38, 1-based): chr6:90,516,649, T>A on the plus strand (A>T on the coding strand, the complement: MAP3K7 is on the minus strand). VCF-style: chr6-90516649-T-A. GRCh37 (hg19) VCF-style: chr6-91226368-T-A.
Other names: c.1592A>T, p.Glu531Val (NM_003188.4); c.1557A>T, p.Ter519Cys (NM_145332.3); c.1476A>T, p.Ter492Cys (NM_145333.3); short protein forms E531V, E558V.
Identifiers: ClinVar variation 2662333 (VCV002662333.1), dbSNP rs2534238847, ClinGen allele CA365014357.